The following is an entry in ClinVar:

NM_014704.4(CEP104):c.1593C>T (p.Pro531=)

Gene: CEP104 (centrosomal protein 104; minus strand). Cytogenetic location: 1p36.32.
Variant type: single nucleotide variant.
Coding change: c.1593C>T on transcript NM_014704.4 (MANE Select); coding-DNA position 1593, C replaced by T.
Protein change: p.Pro531=; no amino-acid change (proline 531 retained).
Molecular consequence: synonymous variant.
Genome position (GRCh38, 1-based): chr1:3,833,928, G>A on the plus strand (C>T on the coding strand, the complement: CEP104 is on the minus strand). VCF-style: chr1-3833928-G-A. GRCh37 (hg19) VCF-style: chr1-3750492-G-A.
Identifiers: ClinVar variation 3257213 (VCV003257213.17).

ClinVar aggregate classification (germline): Likely benign (1 of 4 stars; one submission).

gnomAD v4.1: 33 of 1,614,086 alleles (0.002%); highest among the groups gnomAD compares: South Asian, 0.011%; no homozygotes.

Submission:

CeGaT Center for Human Genetics Tuebingen
Classification: Likely benign. Last evaluated: 2024-07-01. Review status: criteria provided, single submitter. Criteria: CeGaT Center For Human Genetics Tuebingen Variant Classification Criteria Version 2. Collection method: clinical testing. Allele origin: germline. Affected: yes. Observed: 1 variant allele.
Comment: CEP104: BP4, BP7